The following continues an entry in ClinVar:

NM_000091.5(COL4A3):c.1450G>A (p.Gly484Arg)

ClinVar aggregate classification (germline): Conflicting classifications of pathogenicity. Pathogenic (1); Likely pathogenic (11); Uncertain significance (5).

Submissions 12 to 17 of 17:

CeGaT Center for Human Genetics Tuebingen
Classification: Likely pathogenic. Last evaluated: 2023-10-01. Review status: criteria provided, single submitter. Criteria: CeGaT Center For Human Genetics Tuebingen Variant Classification Criteria Version 2. Collection method: clinical testing. Allele origin: germline. Affected: yes. Observed: 2 variant alleles.
Comment: COL4A3: PM1:Strong, PM2

Department of Pathology and Laboratory Medicine, Sinai Health System
Classification: Uncertain significance for Alport syndrome. Last evaluated: 2023-02-13. Review status: criteria provided, single submitter. Criteria: ACMG Guidelines, 2015. Collection method: research. Allele origin: germline.

Institute of Human Genetics Munich, TUM University Hospital
Classification: Likely pathogenic for Autosomal dominant Alport syndrome. Last evaluated: 2022-12-13. Review status: criteria provided, single submitter. Criteria: Classification criteria August 2017. Collection method: clinical testing. Allele origin: germline. Inheritance: Autosomal dominant inheritance. Affected: yes. Observed: 1 variant allele.

Women's Health and Genetics/Laboratory Corporation of America, LabCorp
Classification: Likely pathogenic for Autosomal recessive Alport syndrome. Last evaluated: 2022-08-02. Review status: criteria provided, single submitter. Criteria: LabCorp Variant Classification Summary - May 2015. Collection method: clinical testing. Allele origin: germline.
Comment: Variant summary: COL4A3 c.1450G>A (p.Gly484Arg) results in a non-conservative amino acid change in the encoded protein sequence. Five of five in-silico tools predict a damaging effect of the variant on protein function. Glycine residues in the collagenous domain have been reported in association with a phenotype of Alport syndrome/related phenotypes in the HGMD database, thereby supporting a mutational hotspot/critical domain essential for protein function. The variant allele was found at a frequency of 2.8e-05 in 249506 control chromosomes. c.1450G>A has been reported in the literature as a presumed heterozygous (carrier) genotype in at-least one individual within a cohort of families with glomerular hematuria without classical features of Alport Syndrome (example, Papazachariou_2014 cited in Stefanou_2015 and Matthaiou_2020). These report(s) do not provide unequivocal conclusions about association of the variant with Alport Syndrome, Autosomal Recessive. At least one publication reports experimental evidence evaluating an impact on protein function demonstrating increased intracellular retention when expressed in AB8/13 cultured podocytes in-vitro (Papazachariou_2014). Two clinical diagnostic laboratories have submitted clinical-significance assessments for this variant to ClinVar after 2014 without evidence for independent evaluation. All laboratories classified the variant as pathogenic. Based on the evidence outlined above, the variant was classified as likely pathogenic for microscopic haematuria as a result of thin basement membrane, a phenotype that reportedly describes a histological finding among carriers of autosomal recessive Alport syndrome (Matthaiou_2020).

Revvity Omics, Revvity
Classification: Pathogenic. Last evaluated: 2021-07-23. Review status: criteria provided, single submitter. Criteria: ACMG Guidelines, 2015. Collection method: clinical testing. Allele origin: germline.

Centre de Génétique Humaine, Institut de Pathologie Et de Génétique
Classification: Likely pathogenic for Autosomal dominant Alport syndrome. Review status: criteria provided, single submitter. Criteria: ACMG Guidelines, 2015. Collection method: clinical testing. Allele origin: germline. Inheritance: Autosomal dominant inheritance. Affected: yes. Observed: 1 variant allele, 1 heterozygote. Segregation with disease not observed.
Comment: This missense variant involves a highly conserved glycine located in a ‘Gly-X-Y’ motif in a non-collagenous/ collagenous boundary region (PM1,PP2). This variant is rare: allelic frequency of 0.003% in gnomAD v4.1.0 database (PM2); In silico analysis supports that this missense variant has a deleterious effect (PP3); described as LP in 3 heterozygous patients from a family with hematuria and CKD (PP5). In the same publication: in-vitro expression in cultured podocytes showed increased intracellular retention compared with wild type (PS3 supporting)

Literature cited by the submitters: PubMed 25514610 (cited by 6 submitters); PubMed 41499173 (cited by Myriad Genetics, Inc.); PubMed 6138234 (cited by Labcorp Genetics (formerly Invitae), Labcorp); PubMed 26138234 (cited by Mayo Clinic Laboratories, Mayo Clinic and Women's Health and Genetics/Laboratory Corporation of America, LabCorp); PubMed 33391746 (cited by Mayo Clinic Laboratories, Mayo Clinic and Women's Health and Genetics/Laboratory Corporation of America, LabCorp); PubMed 34400539 (cited by Centre de Génétique Humaine, Institut de Pathologie Et de Génétique).